The following is an entry in ClinVar:

NM_003470.3(USP7):c.1750T>C (p.Tyr584His)

Gene: USP7 (ubiquitin specific peptidase 7; minus strand). Cytogenetic location: 16p13.2.
Variant type: single nucleotide variant.
Coding change: c.1750T>C on transcript NM_003470.3 (MANE Select); coding-DNA position 1750, T replaced by C.
Protein change: p.Tyr584His; replaces tyrosine 584 with histidine.
Molecular consequence: missense variant. On other transcripts: non-coding transcript variant (1).
Genome position (GRCh38, 1-based): chr16:8,903,357, A>G on the plus strand (T>C on the coding strand, the complement: USP7 is on the minus strand). VCF-style: chr16-8903357-A-G. GRCh37 (hg19) VCF-style: chr16-8997214-A-G.
Other names: c.1702T>C, p.Tyr568His (NM_001286457.2); c.1453T>C, p.Tyr485His (NM_001286458.2); c.1576T>C, p.Tyr526His (NM_001321858.2); short protein forms Y485H, Y526H, Y568H, Y584H.
Identifiers: ClinVar variation 3342923 (VCV003342923.1).

ClinVar aggregate classification (germline): Uncertain significance (1 of 4 stars; one submission).

Submission:

GeneDx
Classification: Uncertain significance. Last evaluated: 2023-03-31. Review status: criteria provided, single submitter. Criteria: GeneDx Variant Classification Process June 2021. Collection method: clinical testing. Allele origin: germline. Affected: yes.
Comment: Not observed at significant frequency in large population cohorts (gnomAD); In silico analysis supports that this missense variant has a deleterious effect on protein structure/function; Has not been previously published as pathogenic or benign to our knowledge